The following is an entry in ClinVar:

ClinVar aggregate classification (germline): Uncertain significance (1 of 4 stars; one submission).

Submission:

ISCA site 14
Classification: Uncertain significance. Last evaluated: 2011-08-12. Review status: criteria provided, single submitter. Criteria: Kaminsky et al. (Genet Med. 2011). Collection method: clinical testing. Allele origin: unknown. Affected: yes. Observed: 1 variant allele.
Comment: Copy number variation identified through the course of routine clinical cytogenomic testing in postnatal populations. Clinical assertions have been curated as described in Kaminsky et al. 2011.

GRCh38/hg38 11q22.1(chr11:100325350-100842425)x3

Genes: ARHGAP42 (Rho GTPase activating protein 42; plus strand), ARHGAP42-AS1 (ARHGAP42 antisense RNA 1; minus strand), CNTN5 (contactin 5; plus strand), LOC111982889 (Sharpr-MPRA regulatory region 13184; plus strand), LOC124625825 (Sharpr-MPRA regulatory region 9794; plus strand) and 5 more. Cytogenetic location: 11q22.1.
Variant type: copy number gain.
Change: copy number 3 (three copies instead of two) of chr11:100,325,350-100,842,425 (517.1 kb, GRCh38 coordinates, 1-based), cytogenetic band 11q22.1.
Identifiers: ClinVar variation 58184 (VCV000058184.1).